The following is an entry in ClinVar:

ClinVar aggregate classification (germline): Likely pathogenic (1 of 4 stars; one submission).

Conditions:
Gnathodiaphyseal dysplasia (GDD). Also called: GNATHODIAPHYSEAL SCLEROSIS; OSTEOGENESIS IMPERFECTA WITH UNUSUAL SKELETAL LESIONS. Identifiers: Orphanet 53697, MedGen C1833736, MONDO:0008151, OMIM 166260.
Autosomal recessive limb-girdle muscular dystrophy type 2L (LGMDR12). Also called: Limb-Girdle Muscular Dystrophy R12 Anoctamin-5-Related (LGMD-R12); Limb-girdle muscular dystrophy, type 2L; MUSCULAR DYSTROPHY, LIMB-GIRDLE, AUTOSOMAL RECESSIVE 12. Identifiers: Orphanet 206549, MedGen C1969785, MONDO:0012652, OMIM 611307.

Submission:

Labcorp Genetics (formerly Invitae), Labcorp
Classification: Likely pathogenic for Autosomal recessive limb-girdle muscular dystrophy type 2L; Gnathodiaphyseal dysplasia. Last evaluated: 2021-12-27. Review status: criteria provided, single submitter. Criteria: Invitae Variant Classification Sherloc (09022015). Collection method: clinical testing. Allele origin: germline.
Comment: In summary, the currently available evidence indicates that the variant is pathogenic, but additional data are needed to prove that conclusively. Therefore, this variant has been classified as Likely Pathogenic. Advanced modeling of protein sequence and biophysical properties (such as structural, functional, and spatial information, amino acid conservation, physicochemical variation, residue mobility, and thermodynamic stability) performed at Invitae indicates that this missense variant is expected to disrupt ANO5 protein function. This missense change has been observed in individuals with clinical features of limb-girdle muscular dystrophy (PMID: 23169617; Invitae). This variant is not present in population databases (gnomAD no frequency). This sequence change replaces cysteine, which is neutral and slightly polar, with tyrosine, which is neutral and polar, at codon 342 of the ANO5 protein (p.Cys342Tyr).

Literature cited by the submitters: PubMed 23169617.

NM_213599.3(ANO5):c.1025G>A (p.Cys342Tyr)

Gene: ANO5 (anoctamin 5; plus strand). Cytogenetic location: 11p14.3.
Variant type: single nucleotide variant.
Coding change: c.1025G>A on transcript NM_213599.3 (MANE Select); coding-DNA position 1025, G replaced by A.
Protein change: p.Cys342Tyr; replaces cysteine 342 with tyrosine.
Molecular consequence: missense variant.
Genome position (GRCh38, 1-based): chr11:22,250,752, G>A. VCF-style: chr11-22250752-G-A. GRCh37 (hg19) VCF-style: chr11-22272298-G-A.
Other names: c.1022G>A, p.Cys341Tyr (NM_001142649.2); c.983G>A, p.Cys328Tyr (NM_001410963.1); c.980G>A, p.Cys327Tyr (NM_001410964.1); short protein forms C328Y, C327Y, C342Y, C341Y.
Identifiers: ClinVar variation 2137031 (VCV002137031.4), dbSNP rs1853786211, ClinGen allele CA379920969.